The following is an entry in ClinVar:

NM_000301.5(PLG):c.1903G>A (p.Val635Ile)

Gene: PLG (plasminogen; plus strand). Cytogenetic location: 6q26.
Variant type: single nucleotide variant.
Coding change: c.1903G>A on transcript NM_000301.5 (MANE Select); coding-DNA position 1903, G replaced by A.
Protein change: p.Val635Ile; replaces valine 635 with isoleucine.
Molecular consequence: missense variant.
Genome position (GRCh38, 1-based): chr6:160,739,093, G>A. VCF-style: chr6-160739093-G-A. GRCh37 (hg19) VCF-style: chr6-161160125-G-A.
Other names: short protein forms V635I.
Identifiers: ClinVar variation 4769225 (VCV004769225.1).

ClinVar aggregate classification (germline): Uncertain significance (1 of 4 stars; one submission).

gnomAD v4.1: 2 of 1,614,022 alleles (0.00012%); highest among the groups gnomAD compares: East Asian, 0.0022%; no homozygotes.

Submission:

Labcorp Genetics (formerly Invitae), Labcorp
Classification: Uncertain significance. Last evaluated: 2025-03-22. Review status: criteria provided, single submitter. Criteria: Invitae Variant Classification Sherloc (09022015). Collection method: clinical testing. Allele origin: germline.
Comment: This sequence change replaces valine, which is neutral and non-polar, with isoleucine, which is neutral and non-polar, at codon 635 of the PLG protein (p.Val635Ile). This variant is present in population databases (rs777359514, gnomAD 0.006%). This variant has not been reported in the literature in individuals affected with PLG-related conditions. Invitae Evidence Modeling of protein sequence and biophysical properties (such as structural, functional, and spatial information, amino acid conservation, physicochemical variation, residue mobility, and thermodynamic stability) indicates that this missense variant is not expected to disrupt PLG protein function with a negative predictive value of 80%. In summary, the available evidence is currently insufficient to determine the role of this variant in disease. Therefore, it has been classified as a Variant of Uncertain Significance.